The following is an entry in ClinVar:

ClinVar aggregate classification (germline): Uncertain significance (1 of 4 stars; one submission).

Submission:

GeneDx
Classification: Uncertain significance. Last evaluated: 2025-05-09. Review status: criteria provided, single submitter. Criteria: GeneDx Variant Classification Process June 2021. Collection method: clinical testing. Allele origin: germline. Affected: yes.
Comment: Not observed at significant frequency in large population cohorts (gnomAD); In silico analysis suggests that this missense variant does not alter protein structure/function; Has not been previously published as pathogenic or benign to our knowledge

NM_032217.5(ANKRD17):c.6118G>A (p.Val2040Ile)

Gene: ANKRD17 (ankyrin repeat domain 17; minus strand). Cytogenetic location: 4q13.3.
Variant type: single nucleotide variant.
Coding change: c.6118G>A on transcript NM_032217.5 (MANE Select); coding-DNA position 6118, G replaced by A.
Protein change: p.Val2040Ile; replaces valine 2040 with isoleucine.
Molecular consequence: missense variant.
Genome position (GRCh38, 1-based): chr4:73,091,510, C>T on the plus strand (G>A on the coding strand, the complement: ANKRD17 is on the minus strand). VCF-style: chr4-73091510-C-T. GRCh37 (hg19) VCF-style: chr4-73957227-C-T.
Other names: c.5779G>A, p.Val1927Ile (NM_001286771.3); c.6115G>A, p.Val2039Ile (NM_015574.2); c.5365G>A, p.Val1789Ile (NM_198889.3); short protein forms V1789I, V1927I, V2039I, V2040I.
Identifiers: ClinVar variation 4527059 (VCV004527059.1).